The following is an entry in ClinVar:

ClinVar aggregate classification (germline): Uncertain significance (1 of 4 stars; one submission).

Conditions:
Cardiovascular phenotype. Identifiers: MedGen CN230736.
Hereditary cancer-predisposing syndrome. Also called: Neoplastic Syndromes, Hereditary; Tumor predisposition; Hereditary Cancer Syndrome; Hereditary neoplastic syndrome. Identifiers: Orphanet 140162, MedGen C0027672, MeSH D009386, MONDO:0015356.

Submission:

Ambry Genetics
Classification: Uncertain significance for Cardiovascular phenotype; Hereditary cancer-predisposing syndrome. Last evaluated: 2025-09-22. Review status: criteria provided, single submitter. Criteria: Ambry Variant Classification Scheme 2023. Collection method: clinical testing. Allele origin: germline.
Comment: The p.P2545S variant (also known as c.7633C>T), located in coding exon 51 of the NF1 gene, results from a C to T substitution at nucleotide position 7633. The proline at codon 2545 is replaced by serine, an amino acid with similar properties. This amino acid position is conserved. In addition, this alteration is predicted to be tolerated by in silico analysis. Based on the available evidence, the clinical significance of this variant remains unclear.

NM_001042492.3(NF1):c.7696C>T (p.Pro2566Ser)

Gene: NF1 (neurofibromin 1; plus strand). Cytogenetic location: 17q11.2.
Variant type: single nucleotide variant.
Coding change: c.7696C>T on transcript NM_001042492.3 (MANE Select); coding-DNA position 7696, C replaced by T.
Protein change: p.Pro2566Ser; replaces proline 2566 with serine.
Molecular consequence: missense variant.
Genome position (GRCh38, 1-based): chr17:31,356,540, C>T. VCF-style: chr17-31356540-C-T. GRCh37 (hg19) VCF-style: chr17-29683558-C-T.
Other names: c.7633C>T, p.Pro2545Ser (NM_000267.4); short protein forms P2545S, P2566S.
Identifiers: ClinVar variation 4615727 (VCV004615727.1).